The following is an entry in ClinVar:

NM_175614.5(NDUFA11):c.98-109A>G

Gene: NDUFA11 (NADH:ubiquinone oxidoreductase subunit A11; minus strand). Cytogenetic location: 19p13.3.
Variant type: single nucleotide variant.
Coding change: c.98-109A>G on transcript NM_175614.5 (MANE Select); 109 bases into the intron before coding-DNA position 98, A replaced by G.
Molecular consequence: intron variant.
Genome position (GRCh38, 1-based): chr19:5,897,106, T>C on the plus strand (A>G on the coding strand, the complement: NDUFA11 is on the minus strand). VCF-style: chr19-5897106-T-C. GRCh37 (hg19) VCF-style: chr19-5897117-T-C.
Other names: c.98-109A>G (NM_001193375.3).
Identifiers: ClinVar variation 676343 (VCV000676343.1), dbSNP rs114489799, ClinGen allele CA304693952.

ClinVar aggregate classification (germline): Likely benign (1 of 4 stars; one submission).

Allele frequency attached by ClinVar (database versions not stated): gnomAD exomes 0.00142; gnomAD 0.01308 and 0.01405; 1000 Genomes Project 30x 0.01343; 1000 Genomes Project 0.01358; TOPMed 0.01444.
gnomAD v4.1: 3,026 of 871,208 alleles (0.35%); highest among the groups gnomAD compares: African/African-American, 4.5%; 62 homozygotes.

Submission:

GeneDx
Classification: Likely benign. Last evaluated: 2018-06-14. Review status: criteria provided, single submitter. Criteria: GeneDx Variant Classification (06012015). Collection method: clinical testing. Allele origin: germline. Affected: yes.
Comment: This variant is considered likely benign or benign based on one or more of the following criteria: it is a conservative change, it occurs at a poorly conserved position in the protein, it is predicted to be benign by multiple in silico algorithms, and/or has population frequency not consistent with disease.